The following is an entry in ClinVar:

ClinVar aggregate classification (germline): Uncertain significance (1 of 4 stars; one submission).

Conditions:
Werner syndrome (WRN). Identifiers: Orphanet 902, MedGen C0043119, MONDO:0010196, OMIM 277700.

Allele frequency attached by ClinVar (database versions not stated): gnomAD exomes below 0.00001.
gnomAD v4.1: 1 of 1,612,560 alleles (0.000062%); highest among the groups gnomAD compares: Non-Finnish European, 0.000085%; no homozygotes.

Submission:

Labcorp Genetics (formerly Invitae), Labcorp
Classification: Uncertain significance for Werner syndrome. Last evaluated: 2024-02-02. Review status: criteria provided, single submitter. Criteria: Invitae Variant Classification Sherloc (09022015). Collection method: clinical testing. Allele origin: germline.
Comment: This sequence change replaces aspartic acid, which is acidic and polar, with glycine, which is neutral and non-polar, at codon 43 of the WRN protein (p.Asp43Gly). This variant is not present in population databases (gnomAD no frequency). This variant has not been reported in the literature in individuals affected with WRN-related conditions. ClinVar contains an entry for this variant (Variation ID: 1412537). An algorithm developed to predict the effect of missense changes on protein structure and function (PolyPhen-2) suggests that this variant is likely to be tolerated. In summary, the available evidence is currently insufficient to determine the role of this variant in disease. Therefore, it has been classified as a Variant of Uncertain Significance.

NM_000553.6(WRN):c.128A>G (p.Asp43Gly)

Gene: WRN (WRN RecQ like helicase; plus strand). Cytogenetic location: 8p12.
Variant type: single nucleotide variant.
Coding change: c.128A>G on transcript NM_000553.6 (MANE Select); coding-DNA position 128, A replaced by G.
Protein change: p.Asp43Gly; replaces aspartic acid 43 with glycine.
Molecular consequence: missense variant.
Genome position (GRCh38, 1-based): chr8:31,059,184, A>G. VCF-style: chr8-31059184-A-G. GRCh37 (hg19) VCF-style: chr8-30916700-A-G.
Other names: short protein forms D43G.
Identifiers: ClinVar variation 1412537 (VCV001412537.6), dbSNP rs1394481064, ClinGen allele CA370912429.